The following is an entry in ClinVar:

ClinVar aggregate classification (germline): Uncertain significance (1 of 4 stars; one submission).

gnomAD v4.1: 1 of 1,612,364 alleles (0.000062%); highest among the groups gnomAD compares: Non-Finnish European, 0.000085%; no homozygotes.

Submission:

GeneDx
Classification: Uncertain significance. Last evaluated: 2024-07-02. Review status: criteria provided, single submitter. Criteria: GeneDx Variant Classification Process June 2021. Collection method: clinical testing. Allele origin: germline. Affected: yes.
Comment: Not observed at significant frequency in large population cohorts (gnomAD); In silico analysis supports that this missense variant has a deleterious effect on protein structure/function; Has not been previously published as pathogenic or benign to our knowledge

NM_021096.4(CACNA1I):c.380C>T (p.Ala127Val)

Gene: CACNA1I (calcium voltage-gated channel subunit alpha1 I; plus strand). Cytogenetic location: 22q13.1.
Variant type: single nucleotide variant.
Coding change: c.380C>T on transcript NM_021096.4 (MANE Select); coding-DNA position 380, C replaced by T.
Protein change: p.Ala127Val; replaces alanine 127 with valine.
Molecular consequence: missense variant.
Genome position (GRCh38, 1-based): chr22:39,600,551, C>T. VCF-style: chr22-39600551-C-T. GRCh37 (hg19) VCF-style: chr22-39996556-C-T.
Other names: c.380C>T, p.Ala127Val (NM_001003406.2); short protein forms A127V.
Identifiers: ClinVar variation 3393582 (VCV003393582.1).
Genomic context (GRCh38, chr22:39,600,551, plus strand): 5'-CCCTTGCTTCCCTCCTCCTGCCCCTGCAGGTCTTTGATGACTTCATCTTTATCTTCTTTG[C>T]CATGGAGATGGTGCTCAAGATGGTGGCCCTGGGGATTTTTGGCAAGAAGTGCTACCTCGG-3'
Protein context (NP_066919.2, residues 117-137): VFDDFIFIFF[Ala127Val]MEMVLKMVAL